The following is an entry in ClinVar:

NM_001287.6(CLCN7):c.2284C>T (p.Arg762Trp)

Gene: CLCN7 (Cl-/H+ antiporter 7; minus strand). Cytogenetic location: 16p13.3.
Variant type: single nucleotide variant.
Coding change: c.2284C>T on transcript NM_001287.6 (MANE Select); coding-DNA position 2284, C replaced by T.
Protein change: p.Arg762Trp; replaces arginine 762 with tryptophan.
Molecular consequence: missense variant.
Genome position (GRCh38, 1-based): chr16:1,447,053, G>A on the plus strand (C>T on the coding strand, the complement: CLCN7 is on the minus strand). VCF-style: chr16-1447053-G-A. GRCh37 (hg19) VCF-style: chr16-1497054-G-A.
Other names: c.2212C>T, p.Arg738Trp (NM_001114331.3); short protein forms R762W, R738W.
Identifiers: ClinVar variation 1443367 (VCV001443367.8), dbSNP rs1490598538, ClinGen allele CA394185256.
Genomic context (GRCh38, chr16:1,447,053, plus strand): 5'-CGCCCCCGCTCACCTGATTGCGGTTGTCCACCACCACCAGGTGCCGCAGGCCCAGGGCCC[G>A]GAACAGCTTGAACACCCGTGGGAGCGACGCCTCCTGCAGCAGGGGCACAGCTGTCAGTGC-3'
Protein context (NP_001278.1, residues 752-772): ASLPRVFKLF[Arg762Trp]ALGLRHLVVV

ClinVar aggregate classification (germline): Pathogenic/Likely pathogenic. Review status: criteria provided, multiple submitters, no conflicts (2 of 4 stars). 3 submissions from 3 submitters: Pathogenic (1); Likely pathogenic (2). Last evaluated 2025-12-14.

Conditions:
CLCN7-related disorder. Also called: CLCN7-related condition.
Autosomal recessive osteopetrosis 4. Also called: infantile malignant CLCN7-related recessive osteopetrosis; CLCN7-Related Osteopetrosis. Identifiers: Orphanet 667, MedGen C1969106, MONDO:0012676, OMIM 611490.

Allele frequency attached by ClinVar (database versions not stated): gnomAD exomes below 0.00001 and 0.00001.
gnomAD v4.1: 5 of 1,602,596 alleles (0.00031%); highest among the groups gnomAD compares: Non-Finnish European, 0.00034%; no homozygotes.

Submissions (3):

Labcorp Genetics (formerly Invitae), Labcorp
Classification: Pathogenic. Last evaluated: 2025-12-14. Review status: criteria provided, single submitter. Criteria: Invitae Variant Classification Sherloc (09022015). Collection method: clinical testing. Allele origin: germline.
Comment: This sequence change replaces arginine, which is basic and polar, with tryptophan, which is neutral and slightly polar, at codon 762 of the CLCN7 protein (p.Arg762Trp). The frequency data for this variant in the population databases is considered unreliable, as metrics indicate poor data quality at this position in the gnomAD database. This missense change has been observed in individuals with autosomal dominant osteopetrosis (PMID: 19953639, 28975865, 34122524). ClinVar contains an entry for this variant (Variation ID: 1443367). Invitae Evidence Modeling of protein sequence and biophysical properties (such as structural, functional, and spatial information, amino acid conservation, physicochemical variation, residue mobility, and thermodynamic stability) indicates that this missense variant is expected to disrupt CLCN7 protein function with a positive predictive value of 95%. This variant disrupts the p.Arg762 amino acid residue in CLCN7. Other variant(s) that disrupt this residue have been observed in individuals with CLCN7-related conditions (PMID: 12929941, 19953639, 27468155, 28975865, 34122524), which suggests that this may be a clinically significant amino acid residue. For these reasons, this variant has been classified as Pathogenic.

Blueprint Genetics
Classification: Likely pathogenic for CLCN7-related disorders. Last evaluated: 2022-08-09. Review status: criteria provided, single submitter. Criteria: ACMG Guidelines, 2015. Collection method: clinical testing. Allele origin: germline. Affected: yes. Observed: 4 variant alleles.

Neuberg Centre For Genomic Medicine, NCGM
Classification: Likely pathogenic for Autosomal recessive osteopetrosis 4. Review status: criteria provided, single submitter. Criteria: ACMG Guidelines, 2015. Collection method: clinical testing. Allele origin: germline. Inheritance: Autosomal recessive inheritance. Affected: yes.
Comment: Different amino acid change p.Arg762Gln is reported as a known pathogenic variant Pangrazio et al., 2010; Kim et al., 2021. This variant has been reported to the ClinVar database as Uncertain significance. This variant is reported with the allele frequency 0.0008% in the gnomAD Exomes. The amino acid Arg at position 762 is changed to a Trp changing protein sequence and it might alter its composition and physico-chemical properties. Multiple lines of computational evidence Polyphen - Damaging, SIFT - Damaging and MutationTaster - Disease causing predict a damaging effect on protein structure and function for this variant. The amino acid change p.Arg762Trp in CLCN7 is predicted as conserved by GERP++ and PhyloP across 100 vertebrates. For these reasons, this variant has been classified as Likely Pathogenic.

Literature cited by the submitters: PubMed 19953639 (cited by Labcorp Genetics (formerly Invitae), Labcorp); PubMed 28975865 (cited by Labcorp Genetics (formerly Invitae), Labcorp); PubMed 34122524 (cited by Labcorp Genetics (formerly Invitae), Labcorp); PubMed 12929941 (cited by Labcorp Genetics (formerly Invitae), Labcorp); PubMed 27468155 (cited by Labcorp Genetics (formerly Invitae), Labcorp).